The following is an entry in ClinVar:

NM_001298.3(CNGA3):c.1618G>A (p.Val540Ile)

Gene: CNGA3 (cyclic nucleotide gated channel subunit alpha 3; plus strand). Cytogenetic location: 2q11.2.
Variant type: single nucleotide variant.
Coding change: c.1618G>A on transcript NM_001298.3 (MANE Select); coding-DNA position 1618, G replaced by A.
Protein change: p.Val540Ile; replaces valine 540 with isoleucine.
Molecular consequence: missense variant.
Genome position (GRCh38, 1-based): chr2:98,396,788, G>A. VCF-style: chr2-98396788-G-A. GRCh37 (hg19) VCF-style: chr2-99013251-G-A.
Other names: c.1564G>A, p.Val522Ile (NM_001079878.2); short protein forms V540I, V522I.
Identifiers: ClinVar variation 425212 (VCV000425212.63), dbSNP rs116448158, ClinGen allele CA1794053.
Genomic context (GRCh38, chr2:98,396,788, plus strand): 5'-TACATCATCAACGAGGGCAAGCTGGCCGTGGTGGCTGATGATGGGGTCACCCAGTTCGTG[G>A]TCCTCAGCGATGGCAGCTACTTCGGGGAGATCAGCATTCTGAACATCAAGGGGAGCAAGT-3'
Protein context (NP_001289.1, residues 530-550): VADDGVTQFV[Val540Ile]LSDGSYFGEI

ClinVar aggregate classification (germline): Conflicting classifications of pathogenicity. Review status: criteria provided, conflicting classifications (1 of 4 stars). 9 submissions from 9 submitters: Uncertain significance (3); Likely benign (4). 2 of the submissions do not count toward it. Last evaluated 2026-01-21.

Conditions:
CNGA3-related disorder. Also called: CNGA3-related condition.
Retinal dystrophy. Also called: Inherited retinal dystrophy. Identifiers: Orphanet 71862, MedGen C0854723, MeSH D058499, MONDO:0019118, HP:0000556.
Achromatopsia. Also called: Rod monochromatism. Identifiers: Orphanet 49382, MedGen C0152200, MONDO:0018852, HP:0011516.
Achromatopsia 2 (ACHM2). Also called: COLORBLINDNESS, TOTAL; ROD MONOCHROMACY 2; ROD MONOCHROMATISM 2. Identifiers: Orphanet 49382, MedGen C1857618, MONDO:0009003, OMIM 216900.

Allele frequency attached by ClinVar (database versions not stated): 1000 Genomes Project 0.00060; 1000 Genomes Project 30x 0.00094; gnomAD 0.00113 and 0.00121; TOPMed 0.00133; gnomAD exomes 0.00139 and 0.00171; ESP Exome Variant Server 0.00146; ExAC 0.00153.
gnomAD v4.1: 2,659 of 1,614,228 alleles (0.16%); highest among the groups gnomAD compares: Non-Finnish European, 0.2%; 7 homozygotes.

Submissions (9):

Labcorp Genetics (formerly Invitae), Labcorp
Classification: Likely benign. Last evaluated: 2026-01-21. Review status: criteria provided, single submitter. Criteria: Invitae Variant Classification Sherloc (09022015). Collection method: clinical testing. Allele origin: germline.

Blueprint Genetics
Classification: Likely benign. Last evaluated: 2024-11-21. Review status: criteria provided, single submitter. Criteria: ACMG Guidelines, 2015. Collection method: clinical testing. Allele origin: germline.

CeGaT Center for Human Genetics Tuebingen
Classification: Likely benign. Last evaluated: 2024-11-01. Review status: criteria provided, single submitter. Criteria: CeGaT Center For Human Genetics Tuebingen Variant Classification Criteria Version 2. Collection method: clinical testing. Allele origin: germline. Affected: yes. Observed: 4 variant alleles.
Comment: CNGA3: BS2

Institute of Human Genetics, Univ. Regensburg, Univ. Regensburg
Classification: Likely benign for Retinal dystrophy. Last evaluated: 2022-01-01. Review status: criteria provided, single submitter. Criteria: ACMG Guidelines, 2015. Collection method: clinical testing. Allele origin: germline. Affected: yes.

GeneDx
Classification: Uncertain significance. Last evaluated: 2021-03-08. Review status: criteria provided, single submitter. Criteria: GeneDx Variant Classification Process June 2021. Collection method: clinical testing. Allele origin: germline. Affected: yes.
Comment: In silico analysis supports that this missense variant does not alter protein structure/function; Observed in apparent homozygous state in patients with CNGA3-related retinal dystrophies in published literature (Sun et al., 2020); Observed as a single heterozygous variant in individuals with retinal dystrophies including achromatopsia in published literature, however, a second CNGA3 variant was not identified in these individuals and some had additional variants in other genes that may have also contributed to the phenotype (Thiadens et al., 2010; Langlo et al., 2016; Haer-Wigman et al., 2017); This variant is associated with the following publications: (PMID: 32913385, 30078014, 31456290, 27479814, 26355662, 20079539, 28224992)

Illumina Laboratory Services, Illumina
Classification: Uncertain significance for Achromatopsia 2. Last evaluated: 2017-04-27. Review status: criteria provided, single submitter. Criteria: ICSL Variant Classification Criteria 13 December 2019. Collection method: clinical testing. Allele origin: germline.
Comment: This variant was observed as part of a predisposition screen in an ostensibly healthy population. A literature search was performed for the gene, cDNA change, and amino acid change (where applicable). Publications were found based on this search. However, the evidence from the literature, in combination with allele frequency data from public databases where available, was not sufficient to rule this variant in or out of causing disease. Therefore, this variant is classified as a variant of unknown significance.

Eurofins Ntd Llc (ga)
Classification: Uncertain significance. Last evaluated: 2016-11-08. Review status: criteria provided, single submitter. Criteria: EGL Classification Definitions 2015. Collection method: clinical testing. Allele origin: germline. Observed: 2 variant alleles, 2 heterozygotes.

PreventionGenetics, part of Exact Sciences
Classification: Likely benign for CNGA3-related condition. Last evaluated: 2024-07-01. Review status: no assertion criteria provided. Collection method: clinical testing. Allele origin: germline. Not counted in ClinVar's aggregate classification.
Comment: This variant is classified as likely benign based on ACMG/AMP sequence variant interpretation guidelines (Richards et al. 2015 PMID: 25741868, with internal and published modifications).

Sharon lab, Hadassah-Hebrew University Medical Center
Classification: Likely pathogenic for achromatopsia. Last evaluated: 2019-06-23. Review status: no assertion criteria provided. Collection method: research. Allele origin: inherited. Affected: yes. Not counted in ClinVar's aggregate classification.

Literature cited by the submitters: PubMed 20079539 (cited by Institute of Human Genetics, Univ. Regensburg, Univ. Regensburg and Illumina Laboratory Services, Illumina); PubMed 27479814 (cited by Institute of Human Genetics, Univ. Regensburg, Univ. Regensburg); PubMed 26355662 (cited by Institute of Human Genetics, Univ. Regensburg, Univ. Regensburg); PubMed 28224992 (cited by Institute of Human Genetics, Univ. Regensburg, Univ. Regensburg); PubMed 30078014 (cited by Institute of Human Genetics, Univ. Regensburg, Univ. Regensburg); PubMed 31456290 (cited by Institute of Human Genetics, Univ. Regensburg, Univ. Regensburg).